The following is an entry in ClinVar:

NM_031885.5(BBS2):c.1964T>C (p.Leu655Pro)

Gene: BBS2 (Bardet-Biedl syndrome 2; minus strand). Cytogenetic location: 16q13.
Variant type: single nucleotide variant.
Coding change: c.1964T>C on transcript NM_031885.5 (MANE Select); coding-DNA position 1964, T replaced by C.
Protein change: p.Leu655Pro; replaces leucine 655 with proline.
Molecular consequence: missense variant. On other transcripts: non-coding transcript variant (5).
Genome position (GRCh38, 1-based): chr16:56,485,685, A>G on the plus strand (T>C on the coding strand, the complement: BBS2 is on the minus strand). VCF-style: chr16-56485685-A-G. GRCh37 (hg19) VCF-style: chr16-56519597-A-G.
Other names: c.1964T>C, p.Leu655Pro (NM_001377456.1); short protein forms L655P.
Identifiers: ClinVar variation 1491503 (VCV001491503.6), dbSNP rs2144095663, ClinGen allele CA395973448.

ClinVar aggregate classification (germline): Uncertain significance (1 of 4 stars; one submission).

Conditions:
Bardet-Biedl syndrome (BBS). Identifiers: Orphanet 110, MedGen C0752166, MONDO:0015229.

Allele frequency attached by ClinVar (database versions not stated): gnomAD exomes below 0.00001.
gnomAD v4.1: 1 of 1,613,952 alleles (0.000062%); highest among the groups gnomAD compares: Non-Finnish European, 0.000085%; no homozygotes.

Submission:

Labcorp Genetics (formerly Invitae), Labcorp
Classification: Uncertain significance for Bardet-Biedl syndrome. Last evaluated: 2021-11-28. Review status: criteria provided, single submitter. Criteria: Invitae Variant Classification Sherloc (09022015). Collection method: clinical testing. Allele origin: germline.
Comment: In summary, the available evidence is currently insufficient to determine the role of this variant in disease. Therefore, it has been classified as a Variant of Uncertain Significance. Algorithms developed to predict the effect of missense changes on protein structure and function are either unavailable or do not agree on the potential impact of this missense change (SIFT: "Deleterious"; PolyPhen-2: "Possibly Damaging"; Align-GVGD: "Class C15"). This variant has not been reported in the literature in individuals affected with BBS2-related conditions. This variant is not present in population databases (gnomAD no frequency). This sequence change replaces leucine, which is neutral and non-polar, with proline, which is neutral and non-polar, at codon 655 of the BBS2 protein (p.Leu655Pro).